The following is an entry in ClinVar:

NM_000051.4(ATM):c.6283C>A (p.Leu2095Ile)

Genes: ATM (ATM serine/threonine kinase; plus strand), C11orf65 (chromosome 11 open reading frame 65; minus strand). Cytogenetic location: 11q22.3.
Variant type: single nucleotide variant.
Coding change: c.6283C>A on transcript NM_000051.4 (MANE Select); coding-DNA position 6283, C replaced by A.
Protein change: p.Leu2095Ile; replaces leucine 2095 with isoleucine.
Molecular consequence: missense variant. On other transcripts: intron variant (2).
Genome position (GRCh38, 1-based): chr11:108,317,457, C>A. VCF-style: chr11-108317457-C-A. GRCh37 (hg19) VCF-style: chr11-108188184-C-A.
Other names: c.6283C>A, p.Leu2095Ile (NM_001351834.2); c.641-8386G>T (NM_001330368.2); c.*39-8386G>T (NM_001351110.2); short protein forms L2095I.
Identifiers: ClinVar variation 1752611 (VCV001752611.6), dbSNP rs2084785926, ClinGen allele CA382552014.

ClinVar aggregate classification (germline): Uncertain significance. Review status: criteria provided, multiple submitters, no conflicts (2 of 4 stars). 3 submissions from 3 submitters: Uncertain significance (3). Last evaluated 2024-11-18.

Conditions:
Ataxia-telangiectasia syndrome (AT). Also called: Ataxia telangiectasia (A-T); LOUIS-BAR SYNDROME; Cerebello-oculocutaneous telangiectasia; Immunodeficiency with ataxia telangiectasia; Ataxia-telangiectasia, complementation group D; AT, COMPLEMENTATION GROUP C. Identifiers: Orphanet 100, MedGen C0004135, MONDO:0008840, OMIM 208900.
Hereditary cancer-predisposing syndrome. Also called: Hereditary neoplastic syndrome; Neoplastic Syndromes, Hereditary; Tumor predisposition; Hereditary Cancer Syndrome. Identifiers: Orphanet 140162, MedGen C0027672, MeSH D009386, MONDO:0015356.

Submissions (3):

Molecular Diagnostics Laboratory, Catalan Institute of Oncology
Classification: Uncertain significance for Hereditary cancer-predisposing syndrome. Last evaluated: 2024-11-18. Review status: criteria provided, single submitter. Criteria: ClinGen ACMG Specifications ATM V1.1.0. Collection method: clinical testing. Allele origin: germline.
Comment: PM2_Supporting, BP4 c.6283C>A located in exon 43 of the ATM gene, is predicted to result in the substitution of leucine by isoleucine at codon 2095, p.(Leu2095Ile). It is not present in the population database gnomAD v2.1.1 (non-cancer, exome only subset) (PM2_Supporting). The SpliceAI algorithm predicts no significant impact on splicing and the REVEL meta-predictor score for this variant (0.135) suggests that it does not affect the protein function (BP4). To our knowledge, functional studies have not been reported for this variant. In addition, the variant was also identified in the ClinVar database (2x uncertain significance) but is not present in LOVD database. Based on currently available information, the variant c.6283C>A is classified as an uncertain significance variant according to ClinGen-ATM Guidelines version v1.1.

Labcorp Genetics (formerly Invitae), Labcorp
Classification: Uncertain significance for Ataxia-telangiectasia syndrome. Last evaluated: 2023-07-26. Review status: criteria provided, single submitter. Criteria: Invitae Variant Classification Sherloc (09022015). Collection method: clinical testing. Allele origin: germline.
Comment: In summary, the available evidence is currently insufficient to determine the role of this variant in disease. Therefore, it has been classified as a Variant of Uncertain Significance. An algorithm developed to predict the effect of missense changes on protein structure and function (PolyPhen-2) suggests that this variant is likely to be tolerated. ClinVar contains an entry for this variant (Variation ID: 1752611). This variant has not been reported in the literature in individuals affected with ATM-related conditions. This variant is not present in population databases (gnomAD no frequency). This sequence change replaces leucine, which is neutral and non-polar, with isoleucine, which is neutral and non-polar, at codon 2095 of the ATM protein (p.Leu2095Ile).

Ambry Genetics
Classification: Uncertain significance for Hereditary cancer-predisposing syndrome. Last evaluated: 2021-02-22. Review status: criteria provided, single submitter. Criteria: Ambry Variant Classification Scheme 2023. Collection method: clinical testing. Allele origin: germline.
Comment: The p.L2095I variant (also known as c.6283C>A), located in coding exon 42 of the ATM gene, results from a C to A substitution at nucleotide position 6283. The leucine at codon 2095 is replaced by isoleucine, an amino acid with highly similar properties. This amino acid position is well conserved in available vertebrate species. In addition, this alteration is predicted to be tolerated by in silico analysis. Since supporting evidence is limited at this time, the clinical significance of this alteration remains unclear.